The following is an entry in ClinVar:

NM_001373.1:c.5881_5884del

Gene: DNAH14 (dynein axonemal heavy chain 14; plus strand).
Variant type: Deletion.
Identifiers: ClinVar variation 4527891 (VCV004527891.1).

ClinVar aggregate classification (germline): Uncertain significance (1 of 4 stars; one submission).

Submission:

GeneDx
Classification: Uncertain significance. Last evaluated: 2025-05-06. Review status: criteria provided, single submitter. Criteria: GeneDx Variant Classification Process June 2021. Collection method: clinical testing. Allele origin: germline. Affected: yes.
Comment: Frameshift variant predicted to result in protein truncation or nonsense mediated decay in a gene or region of a gene for which loss of function is not a well-established mechanism of disease; Has not been previously published as pathogenic or benign to our knowledge